The following is an entry in ClinVar:

NM_001145809.2(MYH14):c.158G>C (p.Arg53Pro)

Gene: MYH14 (myosin heavy chain 14; plus strand). Cytogenetic location: 19q13.33.
Variant type: single nucleotide variant.
Coding change: c.158G>C on transcript NM_001145809.2 (MANE Select); coding-DNA position 158, G replaced by C.
Protein change: p.Arg53Pro; replaces arginine 53 with proline.
Molecular consequence: missense variant.
Genome position (GRCh38, 1-based): chr19:50,210,523, G>C. VCF-style: chr19-50210523-G-C. GRCh37 (hg19) VCF-style: chr19-50713780-G-C.
Other names: c.158G>C, p.Arg53Pro (NM_001077186.2, NM_024729.4); short protein forms R53P.
Identifiers: ClinVar variation 2091435 (VCV002091435.4), dbSNP rs751476713, ClinGen allele CA406945952.

ClinVar aggregate classification (germline): Uncertain significance (1 of 4 stars; one submission).

gnomAD v4.1: 1 of 1,574,856 alleles (0.000063%); highest among the groups gnomAD compares: East Asian, 0.0024%; no homozygotes.

Submission:

Labcorp Genetics (formerly Invitae), Labcorp
Classification: Uncertain significance. Last evaluated: 2022-04-22. Review status: criteria provided, single submitter. Criteria: Invitae Variant Classification Sherloc (09022015). Collection method: clinical testing. Allele origin: germline.
Comment: In summary, the available evidence is currently insufficient to determine the role of this variant in disease. Therefore, it has been classified as a Variant of Uncertain Significance. Algorithms developed to predict the effect of missense changes on protein structure and function (SIFT, PolyPhen-2, Align-GVGD) all suggest that this variant is likely to be disruptive. This missense change has been observed in at least one individual who was not affected with MYH14-related conditions (Invitae). This variant has not been reported in the literature in individuals affected with MYH14-related conditions. This variant is not present in population databases (gnomAD no frequency). This sequence change replaces arginine, which is basic and polar, with proline, which is neutral and non-polar, at codon 53 of the MYH14 protein (p.Arg53Pro).